The following is an entry in ClinVar:

ClinVar aggregate classification (germline): Uncertain significance. Review status: criteria provided, multiple submitters, no conflicts (2 of 4 stars). 2 submissions from 2 submitters: Uncertain significance (2). Last evaluated 2025-10-02.

Conditions:
Leukodystrophy, hypomyelinating, 7, with or without oligodontia and/or hypogonadotropic hypogonadism (HLD7). Also called: LEUKOENCEPHALOPATHY, HYPOMYELINATING, WITH ATAXIA AND DELAYED DENTITION; ATAXIA, DELAYED DENTITION, AND HYPOMYELINATION; LEUKODYSTROPHY, HYPOMYELINATING, 7, WITH OLIGODONTIA; LEUKODYSTROPHY, HYPOMYELINATING, 7, WITH OLIGODONTIA AND HYPOGONADOTROPIC HYPOGONADISM; LEUKODYSTROPHY, HYPOMYELINATING, 7, WITHOUT OLIGODONTIA OR HYPOGONADOTROPIC HYPOGONADISM; Ataxia, Delayed Dentition and Hypomyelination (ADDH). Identifiers: Orphanet 137639, Orphanet 447893, Orphanet 447896, Orphanet 77295, Orphanet 88637, MedGen CN034185, MONDO:0011897, OMIM 607694.
POLR3A-related disorder. Also called: POLR3A-related condition; POLR3A-related disorders. Identifiers: MedGen CN378587, MONDO:0700276.

gnomAD v4.1: 1 of 1,613,956 alleles (0.000062%); no homozygotes.

Submissions (2):

3billion
Classification: Uncertain significance for POLR3A-related disorder. Last evaluated: 2025-10-02. Review status: criteria provided, single submitter. Criteria: ACMG Guidelines, 2015. Collection method: clinical testing. Allele origin: germline. Affected: yes.
Comment: The variant is observed at an extremely low frequency in the gnomAD v4.1.0 dataset (total allele frequency: <0.001%). Predicted Consequence/Location: Intron variant In silico tools predict the variant to alter splicing and produce an abnormal transcript [SpliceAI: 0.33 (>=0.2, moderate evidence for spliceogenicity)]. The variant has been reported as of uncertain significance (ClinVar ID: VCV003341315). Therefore, this variant is classified as VUS according to the recommendation of ACMG/AMP guideline.

Neuberg Centre For Genomic Medicine, NCGM
Classification: Uncertain significance for Leukodystrophy, hypomyelinating, 7, with or without oligodontia and/or hypogonadotropic hypogonadism. Last evaluated: 2023-05-20. Review status: criteria provided, single submitter. Criteria: ACMG Guidelines, 2015. Collection method: clinical testing. Allele origin: germline. Inheritance: Autosomal recessive inheritance. Affected: yes.
Comment: The splice site c.1572+3A>G variant in the POLR3A gene has not been reported previously as a pathogenic variant nor as a benign variant, to our knowledge. This variant is absent in the gnomAD Exomes. Loss of function variants has been previously reported to be disease-causing (Wambach et al., 2018). For these reasons, this variant has been classified as Uncertain Significance.

NM_007055.4(POLR3A):c.1572+3A>G

Gene: POLR3A (RNA polymerase III subunit A; minus strand). Cytogenetic location: 10q22.3.
Variant type: single nucleotide variant.
Coding change: c.1572+3A>G on transcript NM_007055.4 (MANE Select); 3 bases into the intron after coding-DNA position 1572, A replaced by G.
Molecular consequence: intron variant.
Genome position (GRCh38, 1-based): chr10:78,013,647, T>C on the plus strand (A>G on the coding strand, the complement: POLR3A is on the minus strand). VCF-style: chr10-78013647-T-C. GRCh37 (hg19) VCF-style: chr10-79773405-T-C.
Identifiers: ClinVar variation 3341315 (VCV003341315.2).